The following is an entry in ClinVar:

NM_004817.4(TJP2):c.493G>T (p.Gly165Trp)

Gene: TJP2 (tight junction protein 2; plus strand). Cytogenetic location: 9q21.11.
Variant type: single nucleotide variant.
Coding change: c.493G>T on transcript NM_004817.4 (MANE Select); coding-DNA position 493, G replaced by T.
Protein change: p.Gly165Trp; replaces glycine 165 with tryptophan.
Molecular consequence: missense variant.
Genome position (GRCh38, 1-based): chr9:69,221,037, G>T. VCF-style: chr9-69221037-G-T. GRCh37 (hg19) VCF-style: chr9-71835953-G-T.
Other names: c.424G>T, p.Gly142Trp (NM_001170414.2, NM_001369870.1, NM_001369871.1); c.505G>T, p.Gly169Trp (NM_001170415.1, NM_001369874.1, NM_001369875.1); c.586G>T, p.Gly196Trp (NM_001170416.2); c.493G>T, p.Gly165Trp (NM_001369872.1, NM_001369873.1, NM_201629.3); short protein forms G142W, G165W, G169W, G196W.
Identifiers: ClinVar variation 4989905 (VCV004989905.1).
Genomic context (GRCh38, chr9:69,221,037, plus strand): 5'-GAGTTTGATGGCAGAAGTTTCCGGAGTGGCTACAGCGAGAGGAGCCGGCTGAACAGCCAT[G>T]GGGGGCGCAGCCGCAGCTGGGAGGACAGCCCGGAAAGGGGGCGTCCCCATGAGCGGGCCC-3'
Protein context (NP_004808.2, residues 155-175): YSERSRLNSH[Gly165Trp]GRSRSWEDSP

ClinVar aggregate classification (germline): Uncertain significance (1 of 4 stars; one submission).

Conditions:
TJP2-related disorder. Also called: TJP2-related condition.

Submission:

PreventionGenetics, part of Exact Sciences
Classification: Uncertain significance for TJP2-related condition. Last evaluated: 2026-01-16. Review status: criteria provided, single submitter. Criteria: ACMG Guidelines, 2015. Collection method: clinical testing. Allele origin: germline.
Comment: The TJP2 c.493G>T variant is predicted to result in the amino acid substitution p.Gly165Trp. To our knowledge, this variant has not been reported in the literature. This variant is reported in 0.0029% of alleles in individuals of European (Non-Finnish) descent in gnomAD. At this time, the clinical significance of this variant is uncertain due to the absence of conclusive functional and genetic evidence.